The following is an entry in ClinVar:

NM_001943.5(DSG2):c.2009CAT[3] (p.Ser671_Phe672insSer)

Genes: DSG2 (desmoglein 2; plus strand), DSG2-AS1 (DSG2 antisense RNA 1; minus strand). Cytogenetic location: 18q12.1.
Variant type: Microsatellite.
Coding change: c.2009CAT[3] on transcript NM_001943.5 (MANE Select); three copies in a row of the 3-base unit CAT starting at c.2009; the reference has two copies in a row; one copy, 3 bases duplicated.
Protein change: p.Ser671_Phe672insSer.
Molecular consequence: inframe insertion.
Genome position (GRCh38, 1-based): chr18:31,542,530-31,542,532, CAT duplicated; duplicating any 3 consecutive bases within chr18:31,542,527-31,542,532 gives the same sequence; the position shown is the placement nearest the transcript's 3' end. VCF-style (leftmost placement, unchanged base first): chr18-31542526-C-CCAT. GRCh37 (hg19) VCF-style: chr18-29122489-C-CCAT.
Identifiers: ClinVar variation 2853752 (VCV002853752.3), dbSNP rs2510920582, ClinGen allele CA2739268632.

ClinVar aggregate classification (germline): Uncertain significance (1 of 4 stars; one submission).

Conditions:
Arrhythmogenic right ventricular dysplasia 10. Also called: Arrhythmogenic Right Ventricular Dysplasia/Cardiomyopathy10; ARRHYTHMOGENIC RIGHT VENTRICULAR DYSPLASIA, FAMILIAL, 10; Arrhythmogenic right ventricular dysplasia/cardiomyopathy, type 10. Identifiers: MedGen C1857777, MONDO:0012434, OMIM 610193.

Submission:

Labcorp Genetics (formerly Invitae), Labcorp
Classification: Uncertain significance for Arrhythmogenic right ventricular dysplasia 10. Last evaluated: 2023-04-09. Review status: criteria provided, single submitter. Criteria: Invitae Variant Classification Sherloc (09022015). Collection method: clinical testing. Allele origin: germline.
Comment: This variant is not present in population databases (gnomAD no frequency). In summary, the available evidence is currently insufficient to determine the role of this variant in disease. Therefore, it has been classified as a Variant of Uncertain Significance. This variant has not been reported in the literature in individuals affected with DSG2-related conditions. This variant, c.2012_2014dup, results in the insertion of 1 amino acid(s) of the DSG2 protein (p.Ser671dup), but otherwise preserves the integrity of the reading frame.